The following is an entry in ClinVar:

NM_018668.5(VPS33B):c.150_156del (p.Asp50fs)

Gene: VPS33B (VPS33B late endosome and lysosome associated; minus strand). Cytogenetic location: 15q26.1.
Variant type: Deletion.
Coding change: c.150_156del on transcript NM_018668.5 (MANE Select); coding-DNA positions 150 to 156, 7 bases deleted (TCGAATT; older notation c.150_156delTCGAATT).
Protein change: p.Asp50fs; shifts the reading frame from aspartic acid 50.
Molecular consequence: frameshift variant. On other transcripts: 5 prime UTR variant (1), intron variant (1).
Genome position (GRCh38, 1-based): chr15:91,017,826-91,017,832, AATTCGA deleted on the plus strand (TCGAATT on the coding strand, the reverse complement: VPS33B is on the minus strand). VCF-style (leftmost placement, unchanged base first): chr15-91017825-CAATTCGA-C. GRCh37 (hg19) VCF-style: chr15-91561055-CAATTCGA-C.
Other names: c.-62_-56del (NM_001289149.1); c.97-808_97-802del (NM_001289148.1); short protein forms D50fs.
Identifiers: ClinVar variation 5005488 (VCV005005488.2).

ClinVar aggregate classification (germline): Likely pathogenic (1 of 4 stars; one submission).

Conditions:
Cholestasis, progressive familial intrahepatic, 12 (PFIC12). Also called: CHOLESTASIS, ISOLATED LOW-GGT. Identifiers: MedGen C5774311, MONDO:0031040, OMIM 620010.
Keratoderma-ichthyosis-deafness syndrome, autosomal recessive (KDIDAR). Identifiers: MedGen C5774200, MONDO:0859278, OMIM 620009.
Arthrogryposis, renal dysfunction, and cholestasis 1 (ARCS1). Identifiers: Orphanet 2697, MedGen C1859722, MONDO:0008822, OMIM 208085.

Submission:

Juno Genomics, Hangzhou Juno Genomics, Inc
Classification: Likely pathogenic for Arthrogryposis, renal dysfunction, and cholestasis 1; Cholestasis, progressive familial intrahepatic, 12; Keratoderma-ichthyosis-deafness syndrome, autosomal recessive. Review status: criteria provided, single submitter. Criteria: ACMG Guidelines, 2015. Collection method: clinical testing. Allele origin: germline.
Comment: Null variant in a gene where loss of function (LOF) is a known mechanism of disease.;Absent from controls (or at extremely low frequency if recessive) in Genome Aggregation Database.